The following is an entry in ClinVar:

ClinVar aggregate classification (germline): Pathogenic (1 of 4 stars; one submission).

Submission:

Genetic Services Laboratory, University of Chicago
Classification: Pathogenic. Last evaluated: 2019-05-28. Review status: criteria provided, single submitter. Criteria: ACMG Guidelines, 2015. Collection method: clinical testing. Allele origin: germline. Affected: yes.
Comment: DNA sequence analysis of the ENG gene demonstrated a single base pair duplication in exon 8, c.1122dup. This sequence change results in an amino acid frameshift and creates a premature stop codon 20 amino acids downstream of the mutation, p.Glu375Argfs*21. This sequence change is predicted to result in an abnormal transcript, which may be degraded, or may lead to the production of a truncated ENG protein with potentially abnormal function. This is a novel sequence change that is not present in the population databases (ExAC and gnomAD). This sequence change (described as c.1122_1123insA p.R375fs) has previously been reported in a patient with pulmonary AVM and showed reduced levels of endoglin in activated monocytes (PMID: 12673790).

NM_001114753.3(ENG):c.1122dup (p.Glu375fs)

Gene: ENG (endoglin; minus strand). Cytogenetic location: 9q34.11.
Variant type: Duplication.
Coding change: c.1122dup on transcript NM_001114753.3 (MANE Select); coding-DNA position 1122, one base duplicated (A; older notation c.1122dupA).
Protein change: p.Glu375fs; shifts the reading frame from glutamic acid 375.
Molecular consequence: frameshift variant.
Genome position (GRCh38, 1-based): chr9:127,824,316, T duplicated on the plus strand (A on the coding strand, the reverse complement: ENG is on the minus strand); the first of 3 consecutive T bases (chr9:127,824,316-127,824,318); duplicating any one gives the same sequence. VCF-style (leftmost placement, unchanged base first): chr9-127824315-C-CT. GRCh37 (hg19) VCF-style: chr9-130586594-C-CT.
Other names: c.1120dup, p.Glu375Argfs (NM_000118.4, NM_001406715.1); c.576dup, p.Glu193fs (NM_001278138.2); short protein forms E193fs, E375fs.
Identifiers: ClinVar variation 1338519 (VCV001338519.5), dbSNP rs2131885756, ClinGen allele CA2573053100.